The following is an entry in ClinVar:

ClinVar aggregate classification (germline): Uncertain significance. Review status: criteria provided, single submitter (1 of 4 stars). 2 submissions from 2 submitters: Uncertain significance (1). 1 of the submissions does not count toward it. Last evaluated 2025-09-15.

Conditions:
Fabry disease. Also called: Fabry's disease; ALPHA-GALACTOSIDASE A DEFICIENCY; ANDERSON-FABRY DISEASE; CERAMIDE TRIHEXOSIDASE DEFICIENCY; GLA DEFICIENCY; HEREDITARY DYSTOPIC LIPIDOSIS. Identifiers: Orphanet 324, MedGen C0002986, MONDO:0010526, OMIM 301500, HP:0001071. Disease mechanism: Fabry disease is due to inactivating mutations in the X-linked GLA gene resulting in deficiency of the enzyme Alpha Galactosidase-A., loss of function.
GLA-related disorder. Also called: GLA-related condition.

Submissions (3):

Genomenon, Inc
Classification: Uncertain significance for Fabry disease. Last evaluated: 2025-09-15. Review status: criteria provided, single submitter. Criteria: Genomenon Sequence Variant Interpretation Standards. Collection method: curation. Allele origin: germline. Affected: no.
Comment: GLA c.-10C>A is a variant located in the 5′ untranslated region (UTR). To our knowledge, this variant has not been reported in patients affected with Fabry disease in the published literature. It is absent or not present at a significant frequency in gnomAD. In conclusion, we classify GLA c.-10C>A as a variant of unknown significance.

PreventionGenetics, part of Exact Sciences
Classification: Likely benign for GLA-related condition. Last evaluated: 2024-05-01. Review status: no assertion criteria provided. Collection method: clinical testing. Allele origin: germline. Not counted in ClinVar's aggregate classification.
Comment: This variant is classified as likely benign based on ACMG/AMP sequence variant interpretation guidelines (Richards et al. 2015 PMID: 25741868, with internal and published modifications).

Dr. Peter K. Rogan Lab, Western University
No classification provided (evidence only). Condition: Thyroid cancer, nonmedullary, 1. Review status: no classification provided. Collection method: in vitro. Allele origin: not applicable. Functional consequence: retained intron. Not counted in ClinVar's aggregate classification.

NM_000169.3(GLA):c.-10C>A

Genes: GLA (galactosidase alpha; minus strand), RPL36A-HNRNPH2 (RPL36A-HNRNPH2 readthrough; plus strand). Cytogenetic location: Xq22.1.
Variant type: single nucleotide variant.
Coding change: c.-10C>A on transcript NM_000169.3 (MANE Select); 10 bases upstream of the start codon, C replaced by A.
Molecular consequence: 5 prime UTR variant. On other transcripts: non-coding transcript variant (3), intron variant (2).
Genome position (GRCh38, 1-based): chrX:101,407,913, G>T on the plus strand (C>A on the coding strand, the complement: GLA is on the minus strand). VCF-style: chrX-101407913-G-T. GRCh37 (hg19) VCF-style: chrX-100662901-G-T.
Other names: NC_000023.10:g.100662901G>T; c.-10C>A (NM_001406747.1, NM_001406748.1, NM_001406749.1); c.301-4023G>T (NM_001199973.2); c.178-4023G>T (NM_001199974.2).
Identifiers: ClinVar variation 3349096 (VCV003349096.3).